The following is an entry in ClinVar:

NM_014000.3(VCL):c.3111_3112insGGCC (p.Lys1038fs)

Gene: VCL (vinculin; plus strand). Cytogenetic location: 10q22.2.
Variant type: Insertion.
Coding change: c.3111_3112insGGCC on transcript NM_014000.3 (MANE Select); coding-DNA positions 3111 to 3112, GGCC inserted.
Protein change: p.Lys1038fs; shifts the reading frame from lysine 1038.
Molecular consequence: frameshift variant.
Genome position: GRCh38 VCF-style: chr10-74114342-T-TGCCG. GRCh37 (hg19) VCF-style: chr10-75874100-T-TGCCG.
Other names: c.2907_2908insGGCC, p.Lys970fs (NM_003373.4); short protein forms K1038fs, K970fs.
Identifiers: ClinVar variation 1375254 (VCV001375254.6), dbSNP rs2131939919, ClinGen allele CA2573145793.

ClinVar aggregate classification (germline): Uncertain significance (1 of 4 stars; one submission).

Conditions:
Dilated cardiomyopathy 1W (CMD1W). Identifiers: Orphanet 154, MedGen C1969639, MONDO:0012667, OMIM 611407.

Submission:

Labcorp Genetics (formerly Invitae), Labcorp
Classification: Uncertain significance for Dilated cardiomyopathy 1W. Last evaluated: 2024-10-18. Review status: criteria provided, single submitter. Criteria: Invitae Variant Classification Sherloc (09022015). Collection method: clinical testing. Allele origin: germline.
Comment: This sequence change creates a premature translational stop signal (p.Lys1038Glyfs*7) in the VCL gene. It is expected to result in an absent or disrupted protein product. However, the current clinical and genetic evidence is not sufficient to establish whether loss-of-function variants in VCL cause disease. This variant is not present in population databases (gnomAD no frequency). This variant has not been reported in the literature in individuals affected with VCL-related conditions. ClinVar contains an entry for this variant (Variation ID: 1375254). In summary, the available evidence is currently insufficient to determine the role of this variant in disease. Therefore, it has been classified as a Variant of Uncertain Significance.